The following is an entry in ClinVar:

ClinVar aggregate classification (germline): Uncertain significance. Review status: criteria provided, multiple submitters, no conflicts (2 of 4 stars). 5 submissions from 5 submitters: Uncertain significance (2). 3 of the submissions do not count toward it. Last evaluated 2025-05-26.

Conditions:
Retinal dystrophy. Also called: Inherited retinal dystrophy. Identifiers: Orphanet 71862, MedGen C0854723, MeSH D058499, MONDO:0019118, HP:0000556.

Allele frequency attached by ClinVar (database versions not stated): gnomAD exomes 0.00008 and 0.00024; ExAC 0.00009; TOPMed 0.00009; gnomAD 0.00011; 1000 Genomes Project 30x 0.00016; 1000 Genomes Project 0.00020; ESP Exome Variant Server 0.00023.
gnomAD v4.1: 359 of 1,613,588 alleles (0.022%); highest among the groups gnomAD compares: Non-Finnish European, 0.029%; no homozygotes.

Submissions (5):

Labcorp Genetics (formerly Invitae), Labcorp
Classification: Uncertain significance. Last evaluated: 2025-05-26. Review status: criteria provided, single submitter. Criteria: Invitae Variant Classification Sherloc (09022015). Collection method: clinical testing. Allele origin: germline.
Comment: This sequence change replaces leucine, which is neutral and non-polar, with proline, which is neutral and non-polar, at codon 436 of the NEK2 protein (p.Leu436Pro). This variant is present in population databases (rs202099146, gnomAD 0.02%). This variant has not been reported in the literature in individuals affected with NEK2-related conditions. ClinVar contains an entry for this variant (Variation ID: 1036908). An algorithm developed to predict the effect of missense changes on protein structure and function (PolyPhen-2) suggests that this variant is likely to be disruptive. In summary, the available evidence is currently insufficient to determine the role of this variant in disease. Therefore, it has been classified as a Variant of Uncertain Significance.

Blueprint Genetics
Classification: Uncertain significance. Last evaluated: 2024-11-19. Review status: criteria provided, single submitter. Criteria: ACMG Guidelines, 2015. Collection method: clinical testing. Allele origin: germline.

Institute of Human Genetics, Univ. Regensburg, Univ. Regensburg
Classification: Uncertain significance for Retinal dystrophy. Last evaluated: 2023-01-01. Review status: no assertion criteria provided. Criteria: ACMG Guidelines, 2015. Collection method: clinical testing. Allele origin: germline. Affected: yes. Not counted in ClinVar's aggregate classification.

Clinical Genetics DNA and cytogenetics Diagnostics Lab, Erasmus MC, Erasmus Medical Center
Classification: Uncertain significance. Review status: no assertion criteria provided. Collection method: clinical testing. Allele origin: germline. Affected: yes. Study: VKGL Data-share Consensus. Not counted in ClinVar's aggregate classification.

Clinical Genetics, Academic Medical Center
Classification: Uncertain significance. Review status: no assertion criteria provided. Collection method: clinical testing. Allele origin: germline. Affected: yes. Study: VKGL Data-share Consensus. Not counted in ClinVar's aggregate classification.

NM_002497.4(NEK2):c.1307T>C (p.Leu436Pro)

Gene: NEK2 (NIMA related kinase 2; minus strand). Cytogenetic location: 1q32.3.
Variant type: single nucleotide variant.
Coding change: c.1307T>C on transcript NM_002497.4 (MANE Select); coding-DNA position 1307, T replaced by C.
Protein change: p.Leu436Pro; replaces leucine 436 with proline.
Molecular consequence: missense variant. On other transcripts: intron variant (1).
Genome position (GRCh38, 1-based): chr1:211,663,457, A>G on the plus strand (T>C on the coding strand, the complement: NEK2 is on the minus strand). VCF-style: chr1-211663457-A-G. GRCh37 (hg19) VCF-style: chr1-211836799-A-G.
Other names: c.1111+3649T>C (NM_001204182.2); short protein forms L436P.
Identifiers: ClinVar variation 1036908 (VCV001036908.12), dbSNP rs202099146, ClinGen allele CA1381459.